The following is an entry in ClinVar:

NM_000465.4(BARD1):c.-9G>A

Gene: BARD1 (BRCA1 associated RING domain 1; minus strand). Cytogenetic location: 2q35.
Variant type: single nucleotide variant.
Coding change: c.-9G>A on transcript NM_000465.4 (MANE Select); 9 bases upstream of the start codon, G replaced by A.
Molecular consequence: 5 prime UTR variant. On other transcripts: non-coding transcript variant (3).
Genome position (GRCh38, 1-based): chr2:214,809,578, C>T on the plus strand (G>A on the coding strand, the complement: BARD1 is on the minus strand). VCF-style: chr2-214809578-C-T. GRCh37 (hg19) VCF-style: chr2-215674302-C-T.
Other names: c.-9G>A (NM_001282543.2, NM_001282545.2, NM_001282548.2 and 1 more transcripts).
Identifiers: ClinVar variation 1171469 (VCV001171469.2), dbSNP rs1314543600, ClinGen allele CA2499215631.

ClinVar aggregate classification (germline): Uncertain significance (1 of 4 stars; one submission).

Conditions:
Hereditary cancer-predisposing syndrome. Also called: Tumor predisposition; Hereditary neoplastic syndrome; Hereditary Cancer Syndrome; Neoplastic Syndromes, Hereditary. Identifiers: Orphanet 140162, MedGen C0027672, MeSH D009386, MONDO:0015356.

Submission:

Color Diagnostics, LLC DBA Color Health
Classification: Uncertain significance for Hereditary cancer-predisposing syndrome. Last evaluated: 2020-07-21. Review status: criteria provided, single submitter. Criteria: ACMG Guidelines, 2015. Collection method: clinical testing. Allele origin: germline.
Comment: This variant is located in the 5â€šÃ„Ã´ untranslated region of the BARD1 gene. To our knowledge, functional studies have not been reported for this variant. This variant has not been reported in individuals affected with hereditary cancer in the literature. This variant has not been identified in the general population by the Genome Aggregation Database (gnomAD). The available evidence is insufficient to determine the role of this variant in disease conclusively. Therefore, this variant is classified as a Variant of Uncertain Significance.